The following is an entry in ClinVar:

ClinVar aggregate classification (germline): Uncertain significance (1 of 4 stars; one submission).

Submission:

Labcorp Genetics (formerly Invitae), Labcorp
Classification: Uncertain significance. Last evaluated: 2025-08-15. Review status: criteria provided, single submitter. Criteria: Invitae Variant Classification Sherloc (09022015). Collection method: clinical testing. Allele origin: germline.
Comment: This sequence change replaces proline, which is neutral and non-polar, with serine, which is neutral and polar, at codon 473 of the RDX protein (p.Pro473Ser). This variant is not present in population databases (gnomAD no frequency). This variant has not been reported in the literature in individuals affected with RDX-related conditions. ClinVar contains an entry for this variant (Variation ID: 2038747). An algorithm developed to predict the effect of missense changes on protein structure and function (PolyPhen-2) suggests that this variant is likely to be tolerated. In summary, the available evidence is currently insufficient to determine the role of this variant in disease. Therefore, it has been classified as a Variant of Uncertain Significance.

NM_002906.4(RDX):c.1417C>T (p.Pro473Ser)

Gene: RDX (radixin; minus strand). Cytogenetic location: 11q22.3.
Variant type: single nucleotide variant.
Coding change: c.1417C>T on transcript NM_002906.4 (MANE Select); coding-DNA position 1417, C replaced by T.
Protein change: p.Pro473Ser; replaces proline 473 with serine.
Molecular consequence: missense variant. On other transcripts: intron variant (1).
Genome position (GRCh38, 1-based): chr11:110,233,407, G>A on the plus strand (C>T on the coding strand, the complement: RDX is on the minus strand). VCF-style: chr11-110233407-G-A. GRCh37 (hg19) VCF-style: chr11-110104132-G-A.
Other names: c.1417C>T, p.Pro473Ser (NM_001260492.2, NM_001260493.2); c.1009C>T, p.Pro337Ser (NM_001260494.2); c.376C>T, p.Pro126Ser (NM_001260495.2); c.405-1403C>T (NM_001260496.2); short protein forms P337S, P126S, P473S.
Identifiers: ClinVar variation 2038747 (VCV002038747.4), dbSNP rs2539358713, ClinGen allele CA382572404.
Genomic context (GRCh38, chr11:110,233,407, plus strand): 5'-TATTCTCATCGTGTTCATCATGTTCGTTTTCTGTTGGAGGAATGACTGGTGGTGGTGGAG[G>A]TGGAGGGGGGGCAGACATCACAGTTTTTAACTCTTCTTTGGTCTTTTCCAAGTCTTCCTG-3'
Protein context (NP_002897.1, residues 463-483): LKTVMSAPPP[Pro473Ser]PPPPVIPPTE